The following is an entry in ClinVar:

NM_032271.3(TRAF7):c.*504G>A

Gene: TRAF7 (TNF receptor associated factor 7; plus strand). Cytogenetic location: 16p13.3.
Variant type: single nucleotide variant.
Coding change: c.*504G>A on transcript NM_032271.3 (MANE Select); 504 bases downstream of the stop codon, G replaced by A.
Molecular consequence: 3 prime UTR variant.
Genome position (GRCh38, 1-based): chr16:2,177,078, G>A. VCF-style: chr16-2177078-G-A. GRCh37 (hg19) VCF-style: chr16-2227079-G-A.
Identifiers: ClinVar variation 4891161 (VCV004891161.1).

ClinVar aggregate classification (germline): Uncertain significance (1 of 4 stars; one submission).

Submission:

Greenwood Genetic Center Diagnostic Laboratories, Greenwood Genetic Center
Classification: Uncertain significance. Last evaluated: 2026-06-18. Review status: criteria provided, single submitter. Criteria: ACMG Guidelines, 2015. Collection method: clinical testing. Allele origin: germline.
Comment: PM2